The following is an entry in ClinVar:

ClinVar aggregate classification (germline): Uncertain significance (1 of 4 stars; one submission).

Submission:

GeneDx
Classification: Uncertain significance. Last evaluated: 2017-02-02. Review status: criteria provided, single submitter. Criteria: GeneDx Variant Classification (06012015). Collection method: clinical testing. Allele origin: germline. Affected: yes.
Comment: A variant of uncertain significance has been identified in the TNPO3 gene. The H892Q variant has not been published as a pathogenic variant, nor has it been reported as a benign variant to our knowledge. The H892Q variant is not observed in large population cohorts (Lek et al., 2016; 1000 Genomes Consortium et al., 2015; Exome Variant Server). The H892Q variant is a semi-conservative amino acid substitution, which may impact secondary protein structure as these residues differ in some properties. This substitution occurs at a position that is conserved across species. In silico analysis is inconsistent in its predictions as to whether or not the variant is damaging to the protein structure/function. Therefore, based on the currently available information, it is unclear whether this variant is a pathogenic variant or a rare benign variant.

NM_012470.4(TNPO3):c.2676C>G (p.His892Gln)

Gene: TNPO3 (transportin 3; minus strand). Cytogenetic location: 7q32.1.
Variant type: single nucleotide variant.
Coding change: c.2676C>G on transcript NM_012470.4 (MANE Select); coding-DNA position 2676, C replaced by G.
Protein change: p.His892Gln; replaces histidine 892 with glutamine.
Molecular consequence: missense variant. On other transcripts: non-coding transcript variant (18).
Genome position (GRCh38, 1-based): chr7:128,967,315, G>C on the plus strand (C>G on the coding strand, the complement: TNPO3 is on the minus strand). VCF-style: chr7-128967315-G-C. GRCh37 (hg19) VCF-style: chr7-128607369-G-C.
Other names: c.2484C>G, p.His828Gln (NM_001191028.3, NM_001382223.1); c.2778C>G, p.His926Gln (NM_001382216.1); c.2757C>G, p.His919Gln (NM_001382217.1); c.2676C>G, p.His892Gln (NM_001382218.1); c.2568C>G, p.His856Gln (NM_001382219.1); c.2535C>G, p.His845Gln (NM_001382220.1); c.2532C>G, p.His844Gln (NM_001382221.1); c.2529C>G, p.His843Gln (NM_001382222.1); short protein forms H892Q, H828Q, H843Q, H844Q, H845Q, H856Q, H919Q, H926Q.
Identifiers: ClinVar variation 423214 (VCV000423214.2), dbSNP rs1064796299, ClinGen allele CA16618356.